The following is an entry in ClinVar:

ClinVar aggregate classification (germline): Uncertain significance. Review status: criteria provided, multiple submitters, no conflicts (2 of 4 stars). 2 submissions from 2 submitters: Uncertain significance (2). Last evaluated 2025-08-03.

Conditions:
Inborn genetic diseases. Identifiers: MedGen C0950123, MeSH D030342.

gnomAD v4.1: 38 of 1,613,846 alleles (0.0024%); highest among the groups gnomAD compares: African/African-American, 0.041%; no homozygotes.

Submissions (2):

Ambry Genetics
Classification: Uncertain significance for Inborn genetic diseases. Last evaluated: 2025-08-03. Review status: criteria provided, single submitter. Criteria: Ambry Variant Classification Scheme 2023. Collection method: clinical testing. Allele origin: germline.

Labcorp Genetics (formerly Invitae), Labcorp
Classification: Uncertain significance. Last evaluated: 2024-09-03. Review status: criteria provided, single submitter. Criteria: Invitae Variant Classification Sherloc (09022015). Collection method: clinical testing. Allele origin: germline.
Comment: This sequence change replaces leucine, which is neutral and non-polar, with glutamine, which is neutral and polar, at codon 242 of the NSUN3 protein (p.Leu242Gln). This variant is present in population databases (rs138642369, gnomAD 0.05%). This variant has not been reported in the literature in individuals affected with NSUN3-related conditions. An algorithm developed to predict the effect of missense changes on protein structure and function (PolyPhen-2) suggests that this variant is likely to be disruptive. In summary, the available evidence is currently insufficient to determine the role of this variant in disease. Therefore, it has been classified as a Variant of Uncertain Significance.

NM_022072.5(NSUN3):c.725T>A (p.Leu242Gln)

Gene: NSUN3 (NOP2/Sun RNA methyltransferase 3; plus strand). Cytogenetic location: 3q11.2.
Variant type: single nucleotide variant.
Coding change: c.725T>A on transcript NM_022072.5 (MANE Select); coding-DNA position 725, T replaced by A.
Protein change: p.Leu242Gln; replaces leucine 242 with glutamine.
Molecular consequence: missense variant.
Genome position (GRCh38, 1-based): chr3:94,095,136, T>A. VCF-style: chr3-94095136-T-A. GRCh37 (hg19) VCF-style: chr3-93813980-T-A.
Other names: c.725T>A (NM_022072.3); short protein forms L242Q.
Identifiers: ClinVar variation 3716222 (VCV003716222.3).
Genomic context (GRCh38, chr3:94,095,136, plus strand): 5'-TTTCTTCTGACTCTCAGAAGGCATCCTGTAGGATAAGTCAAAGGAGGAATTTGCCTCTTC[T>A]ACAGATAGAGCTGTTAAGGTAAGGACTGTTAATACAAAAGTGTATTTTGGTGTCTGATGT-3'
Protein context (NP_071355.1, residues 232-252): RISQRRNLPL[Leu242Gln]QIELLRSAIK